The following is an entry in ClinVar:

ClinVar aggregate classification (germline): Uncertain significance (1 of 4 stars; one submission).

Submission:

GeneDx
Classification: Uncertain significance. Last evaluated: 2022-05-18. Review status: criteria provided, single submitter. Criteria: GeneDx Variant Classification Process June 2021. Collection method: clinical testing. Allele origin: germline. Affected: yes.
Comment: Not observed at significant frequency in large population cohorts (gnomAD); In silico analysis supports that this missense variant does not alter protein structure/function; Has not been previously published as pathogenic or benign to our knowledge

NM_001308093.3(GATA4):c.1054A>G (p.Ser352Gly)

Gene: GATA4 (GATA binding protein 4). Cytogenetic location: 8p23.1.
Variant type: single nucleotide variant.
Coding change: c.1054A>G on transcript NM_001308093.3 (MANE Select); coding-DNA position 1054, A replaced by G.
Protein change: p.Ser352Gly; replaces serine 352 with glycine.
Molecular consequence: missense variant.
Genome position (GRCh38, 1-based): chr8:11,756,988, A>G. VCF-style: chr8-11756988-A-G. GRCh37 (hg19) VCF-style: chr8-11614497-A-G.
Other names: c.433A>G, p.Ser145Gly (NM_001308094.2, NM_001374273.1); c.307A>G, p.Ser103Gly (NM_001374274.1); c.1051A>G, p.Ser351Gly (NM_002052.5); short protein forms S103G, S145G, S351G, S352G.
Identifiers: ClinVar variation 1800554 (VCV001800554.1), dbSNP rs2486046011, ClinGen allele CA370315318.